The following is an entry in ClinVar:

ClinVar aggregate classification (germline): Benign (0 of 4 stars; one submission).

Conditions:
DNAH17-related disorder. Also called: DNAH17-related condition.

Allele frequency attached by ClinVar (database versions not stated): ESP Exome Variant Server 0.00031; gnomAD exomes 0.00238; gnomAD 0.00317; TOPMed 0.00397; ExAC 0.00622; 1000 Genomes Project 0.01138; 1000 Genomes Project 30x 0.01156.
gnomAD v4.1: 3,991 of 1,613,788 alleles (0.25%); highest among the groups gnomAD compares: East Asian, 5.2%; 97 homozygotes.

Submission:

PreventionGenetics, part of Exact Sciences
Classification: Benign for DNAH17-related condition. Last evaluated: 2019-05-24. Review status: no assertion criteria provided. Collection method: clinical testing. Allele origin: germline.
Comment: This variant is classified as benign based on ACMG/AMP sequence variant interpretation guidelines (Richards et al. 2015 PMID: 25741868, with internal and published modifications).

NM_173628.4(DNAH17):c.5191-10T>C

Genes: DNAH17 (dynein axonemal heavy chain 17; minus strand), DNAH17-AS1 (DNAH17 antisense RNA 1; plus strand). Cytogenetic location: 17q25.3.
Variant type: single nucleotide variant.
Coding change: c.5191-10T>C on transcript NM_173628.4 (MANE Select); 10 bases into the intron before coding-DNA position 5191, T replaced by C.
Molecular consequence: intron variant. On other transcripts: non-coding transcript variant (1).
Genome position (GRCh38, 1-based): chr17:78,501,883, A>G on the plus strand (T>C on the coding strand, the complement: DNAH17 is on the minus strand). VCF-style: chr17-78501883-A-G. GRCh37 (hg19) VCF-style: chr17-76497965-A-G.
Identifiers: ClinVar variation 3055422 (VCV003055422.2), dbSNP rs118015264, ClinGen allele CA8803377.
Genomic context (GRCh38, chr17:78,501,883, plus strand): 5'-AGCGTTGAGGTTCCCCATGAGCAGCGTGATGAGTACGTTCAGCTGGCTAATCTGCGGGGG[A>G]GAGTGCCTTCGATGAGACACCACGGGTGCCCACATGCACTGGGGGGTCTTGTGGCTGGGT-3'